The following is an entry in ClinVar:

NM_001079802.2(FKTN):c.573del (p.Glu193fs)

Gene: FKTN (fukutin; plus strand). Cytogenetic location: 9q31.2.
Variant type: Deletion.
Coding change: c.573del on transcript NM_001079802.2 (MANE Select); coding-DNA position 573, one base deleted (T; older notation c.573delT).
Protein change: p.Glu193fs; shifts the reading frame from glutamic acid 193.
Molecular consequence: frameshift variant. On other transcripts: non-coding transcript variant (2).
Genome position (GRCh38, 1-based): chr9:105,604,418, T deleted; the last of 2 consecutive T bases (chr9:105,604,417-105,604,418); deleting either gives the same sequence. VCF-style (leftmost placement, unchanged base first): chr9-105604416-CT-C. GRCh37 (hg19) VCF-style: chr9-108366697-CT-C.
Other names: c.573delT, p.Glu193Asnfs (NM_001079802.1); c.573del, p.Glu193fs (NM_001198963.2, NM_001351496.2, NM_001351498.2 and 1 more transcripts); c.504del, p.Glu170fs (NM_001351497.2); c.177del, p.Glu61fs (NM_001351499.2, NM_001351500.2, NM_001351501.2 and 1 more transcripts); short protein forms E170fs, E193fs, E61fs.
Identifiers: ClinVar variation 4068133 (VCV004068133.2).

ClinVar aggregate classification (germline): Likely pathogenic (1 of 4 stars; one submission).

Conditions:
Walker-Warburg congenital muscular dystrophy. Also called: Muscular dystrophy-dystroglycanopathy, type A; Walker-Warburg syndrome. Identifiers: Orphanet 899, MedGen C0265221, MONDO:0000171.

Submission:

Natera, Inc.
Classification: Likely pathogenic for Walker-Warburg congenital muscular dystrophy. Last evaluated: 2025-01-29. Review status: criteria provided, single submitter. Criteria: Natera Variant Classification Schema (03/2026). Collection method: clinical testing. Allele origin: germline.
Comment: The c.573del variant in FKTN is a frameshift variant predicted to shift the reading frame beginning at codon 193 and leads to a stop codon 47 codons downstream. This variant is expected to result in nonsense mediated decay, truncation, or a dysfunctional protein product. This variant is rare in the general population with a frequency below the threshold expected for the associated phenotype(s). Given the available evidence, this variant is classified as Likely Pathogenic.